The following is an entry in ClinVar:

NM_020822.3(KCNT1):c.3145T>G (p.Ser1049Ala)

Gene: KCNT1 (potassium sodium-activated channel subfamily T member 1; plus strand). Cytogenetic location: 9q34.3.
Variant type: single nucleotide variant.
Coding change: c.3145T>G on transcript NM_020822.3 (MANE Select); coding-DNA position 3145, T replaced by G.
Protein change: p.Ser1049Ala; replaces serine 1049 with alanine.
Molecular consequence: missense variant.
Genome position (GRCh38, 1-based): chr9:135,784,878, T>G. VCF-style: chr9-135784878-T-G. GRCh37 (hg19) VCF-style: chr9-138676724-T-G.
Other names: c.3010T>G, p.Ser1004Ala (NM_001272003.2); short protein forms S1049A, S1004A.
Identifiers: ClinVar variation 2929996 (VCV002929996.3), dbSNP rs1833918106, ClinGen allele CA375518281.
Genomic context (GRCh38, chr9:135,784,878, plus strand): 5'-CTCTGCTCCTCCAGCGCCGAGATCCCCATTGGCATCTACCGGACAGAGAGCCACGTCTTC[T>G]CCACCTCGGAGGTTCTGGGGCAGCCTGGGGGCTGGGACTGTGGCAGCCCCTGTCCTGTGT-3'
Protein context (NP_065873.2, residues 1039-1059): GIYRTESHVF[Ser1049Ala]TSEPHDLRAQ

ClinVar aggregate classification (germline): Uncertain significance (1 of 4 stars; one submission).

Conditions:
Autosomal dominant nocturnal frontal lobe epilepsy 5. Also called: KCNT1-Related Epilepsy; CILIARY DYSKINESIA, PRIMARY, 28, WITH SITUS INVERSUS; CILIARY DYSKINESIA, PRIMARY, 28, WITHOUT SITUS INVERSUS; Epilepsy, nocturnal frontal lobe, 5. Identifiers: Orphanet 98784, MedGen C3554306, MONDO:0014002, OMIM 615005.
Developmental and epileptic encephalopathy, 14 (DEE14). Also called: Early infantile epileptic encephalopathy 14. Identifiers: Orphanet 293181, MedGen C3554195, MONDO:0013989, OMIM 614959.

Allele frequency attached by ClinVar (database versions not stated): gnomAD 0.00001; gnomAD exomes 0.00001.
gnomAD v4.1: 4 of 1,612,306 alleles (0.00025%); highest among the groups gnomAD compares: Non-Finnish European, 0.00034%; no homozygotes.

Submission:

Labcorp Genetics (formerly Invitae), Labcorp
Classification: Uncertain significance for Autosomal dominant nocturnal frontal lobe epilepsy 5; Developmental and epileptic encephalopathy, 14. Last evaluated: 2023-09-19. Review status: criteria provided, single submitter. Criteria: Invitae Variant Classification Sherloc (09022015). Collection method: clinical testing. Allele origin: germline.
Comment: This sequence change replaces serine, which is neutral and polar, with alanine, which is neutral and non-polar, at codon 1049 of the KCNT1 protein (p.Ser1049Ala). In summary, the available evidence is currently insufficient to determine the role of this variant in disease. Therefore, it has been classified as a Variant of Uncertain Significance. Advanced modeling of protein sequence and biophysical properties (such as structural, functional, and spatial information, amino acid conservation, physicochemical variation, residue mobility, and thermodynamic stability) performed at Invitae indicates that this missense variant is not expected to disrupt KCNT1 protein function. This variant has not been reported in the literature in individuals affected with KCNT1-related conditions. This variant is not present in population databases (gnomAD no frequency).